The following is an entry in ClinVar:

NM_001035.3(RYR2):c.39C>G (p.Phe13Leu)

Gene: RYR2 (ryanodine receptor 2; plus strand). Cytogenetic location: 1q43.
Variant type: single nucleotide variant.
Coding change: c.39C>G on transcript NM_001035.3 (MANE Select); coding-DNA position 39, C replaced by G.
Protein change: p.Phe13Leu; replaces phenylalanine 13 with leucine.
Molecular consequence: missense variant.
Genome position (GRCh38, 1-based): chr1:237,042,560, C>G. VCF-style: chr1-237042560-C-G. GRCh37 (hg19) VCF-style: chr1-237205860-C-G.
Other names: short protein forms F13L.
Identifiers: ClinVar variation 1006238 (VCV001006238.15), dbSNP rs1660038687, ClinGen allele CA345654219.
Genomic context (GRCh38, chr1:237,042,560, plus strand): 5'-CCCGGCGAGGAGGCGCGGAACCATGGCCGATGGGGGCGAGGGCGAAGACGAGATCCAGTT[C>G]CTGCGAACTGTAAGCGCCGTGCGTCGCGTGTGCTGTCAGGGGAAGGGGGCGTCAGGGCAT-3'
Protein context (NP_001026.2, residues 3-23): DGGEGEDEIQ[Phe13Leu]LRTDDEVVLQ

ClinVar aggregate classification (germline): Conflicting classifications of pathogenicity. Review status: criteria provided, conflicting classifications (1 of 4 stars). 2 submissions from 2 submitters: Likely pathogenic (1); Uncertain significance (1). Last evaluated 2020-06-27.

Conditions:
Catecholaminergic polymorphic ventricular tachycardia 1. Also called: RYR2-Related Catecholaminergic Polymorphic Ventricular Tachycardia; VENTRICULAR TACHYCARDIA, CATECHOLAMINERGIC POLYMORPHIC, 1, WITH OR WITHOUT ATRIAL DYSFUNCTION AND/OR DILATED CARDIOMYOPATHY; VENTRICULAR TACHYCARDIA, STRESS-INDUCED POLYMORPHIC 1. Identifiers: Orphanet 3286, MedGen C1631597, MONDO:0011484, OMIM 604772.

Submissions (2):

Labcorp Genetics (formerly Invitae), Labcorp
Classification: Uncertain significance for Catecholaminergic polymorphic ventricular tachycardia 1. Last evaluated: 2020-06-27. Review status: criteria provided, single submitter. Criteria: Invitae Variant Classification Sherloc (09022015). Collection method: clinical testing. Allele origin: germline.
Comment: The frequency data for this variant in the population databases is considered unreliable, as metrics indicate insufficient coverage at this position in the ExAC database. In summary, the available evidence is currently insufficient to determine the role of this variant in disease. Therefore, it has been classified as a Variant of Uncertain Significance. Algorithms developed to predict the effect of missense changes on protein structure and function (SIFT, PolyPhen-2, Align-GVGD) all suggest that this variant is likely to be tolerated, but these predictions have not been confirmed by published functional studies and their clinical significance is uncertain. This missense change has been observed in individual(s) with clinical features of catecholaminergic polymorphic ventricular tachycardia (PMID: 31112425). It has also been observed to segregate with disease in related individuals. This sequence change replaces phenylalanine with leucine at codon 13 of the RYR2 protein (p.Phe13Leu). The phenylalanine residue is weakly conserved and there is a small physicochemical difference between phenylalanine and leucine.

Mayo Clinic Laboratories, Mayo Clinic
Classification: Likely pathogenic. Last evaluated: 2020-04-16. Review status: criteria provided, single submitter. Criteria: ACMG Guidelines, 2015. Collection method: clinical testing. Allele origin: germline. Observed: 1 variant allele.
Comment: PP1_strong, PM2

Literature cited by the submitters: PubMed 31112425 (cited by Labcorp Genetics (formerly Invitae), Labcorp and Mayo Clinic Laboratories, Mayo Clinic).